The following is an entry in ClinVar:

NM_001101.5(ACTB):c.65C>T (p.Ala22Val)

Gene: ACTB (actin beta; minus strand). Cytogenetic location: 7p22.1.
Variant type: single nucleotide variant.
Coding change: c.65C>T on transcript NM_001101.5 (MANE Select); coding-DNA position 65, C replaced by T.
Protein change: p.Ala22Val; replaces alanine 22 with valine.
Molecular consequence: missense variant.
Genome position (GRCh38, 1-based): chr7:5,529,593, G>A on the plus strand (C>T on the coding strand, the complement: ACTB is on the minus strand). VCF-style: chr7-5529593-G-A. GRCh37 (hg19) VCF-style: chr7-5569224-G-A.
Other names: short protein forms A22V.
Identifiers: ClinVar variation 3661890 (VCV003661890.2).

ClinVar aggregate classification (germline): Uncertain significance (1 of 4 stars; one submission).

Conditions:
Baraitser-Winter syndrome 1 (BRWS1). Also called: PACHYGYRIA, MENTAL RETARDATION, EPILEPSY, AND CHARACTERISTIC FACIES; MENTAL RETARDATION WITH EPILEPSY AND CHARACTERISTIC FACIES; Cerebrofrontofacial syndrome; BARAITSER-WINTER SYNDROME 1, ATYPICAL. Identifiers: Orphanet 2649, Orphanet 2995, MedGen C1855722, MONDO:0009470, OMIM 243310.

Submission:

Labcorp Genetics (formerly Invitae), Labcorp
Classification: Uncertain significance for Baraitser-Winter syndrome 1. Last evaluated: 2024-08-11. Review status: criteria provided, single submitter. Criteria: Invitae Variant Classification Sherloc (09022015). Collection method: clinical testing. Allele origin: germline.
Comment: This sequence change replaces alanine, which is neutral and non-polar, with valine, which is neutral and non-polar, at codon 22 of the ACTB protein (p.Ala22Val). This variant is not present in population databases (gnomAD no frequency). This variant has not been reported in the literature in individuals affected with ACTB-related conditions. Advanced modeling of protein sequence and biophysical properties (such as structural, functional, and spatial information, amino acid conservation, physicochemical variation, residue mobility, and thermodynamic stability) performed at Invitae indicates that this missense variant is not expected to disrupt ACTB protein function with a negative predictive value of 80%. In summary, the available evidence is currently insufficient to determine the role of this variant in disease. Therefore, it has been classified as a Variant of Uncertain Significance.